The following is an entry in ClinVar:

ClinVar aggregate classification (germline): Uncertain significance (1 of 4 stars; one submission).

Conditions:
Familial thoracic aortic aneurysm and aortic dissection (TAAD). Also called: Thoracic aortic aneurysms and dissections. Identifiers: Orphanet 91387, MedGen C4707243, MONDO:0019625.

Submission:

Ambry Genetics
Classification: Uncertain significance for Familial thoracic aortic aneurysm and aortic dissection. Last evaluated: 2024-02-09. Review status: criteria provided, single submitter. Criteria: Ambry Variant Classification Scheme 2023. Collection method: clinical testing. Allele origin: germline.
Comment: The p.H94R variant (also known as c.281A>G), located in coding exon 2 of the MYLK gene, results from an A to G substitution at nucleotide position 281. The histidine at codon 94 is replaced by arginine, an amino acid with highly similar properties. This amino acid position is conserved. In addition, this alteration is predicted to be tolerated by in silico analysis. Based on the available evidence, the clinical significance of this alteration remains unclear.

NM_053025.4(MYLK):c.281A>G (p.His94Arg)

Gene: MYLK (myosin light chain kinase; minus strand). Cytogenetic location: 3q21.1.
Variant type: single nucleotide variant.
Coding change: c.281A>G on transcript NM_053025.4 (MANE Select); coding-DNA position 281, A replaced by G.
Protein change: p.His94Arg; replaces histidine 94 with arginine.
Molecular consequence: missense variant. On other transcripts: intron variant (1).
Genome position (GRCh38, 1-based): chr3:123,752,423, T>C on the plus strand (A>G on the coding strand, the complement: MYLK is on the minus strand). VCF-style: chr3-123752423-T-C. GRCh37 (hg19) VCF-style: chr3-123471270-T-C.
Other names: c.281A>G, p.His94Arg (NM_053026.4, NM_053027.4, NM_053028.4); c.-155-12422A>G (NM_001321309.2); short protein forms H94R.
Identifiers: ClinVar variation 3228905 (VCV003228905.1), dbSNP rs1425700163, ClinGen allele CA354244448.